The following is an entry in ClinVar:

NM_001378609.3(OTOGL):c.4020C>T (p.Val1340=)

Gene: OTOGL (otogelin like; plus strand). Cytogenetic location: 12q21.31.
Variant type: single nucleotide variant.
Coding change: c.4020C>T on transcript NM_001378609.3 (MANE Select); coding-DNA position 4020, C replaced by T.
Protein change: p.Val1340=; no amino-acid change (valine 1340 retained).
Molecular consequence: synonymous variant.
Genome position (GRCh38, 1-based): chr12:80,320,639, C>T. VCF-style: chr12-80320639-C-T. GRCh37 (hg19) VCF-style: chr12-80714419-C-T.
Other names: c.3993C>T (NM_173591.3); c.3885C>T, p.Val1295= (NM_001368062.3); c.4020C>T, p.Val1340= (NM_001378610.3, NM_173591.7).
Identifiers: ClinVar variation 2908676 (VCV002908676.4), dbSNP rs544627826, ClinGen allele CA6701227.

ClinVar aggregate classification (germline): Likely benign. Review status: criteria provided, multiple submitters, no conflicts (2 of 4 stars). 2 submissions from 2 submitters: Likely benign (2). Last evaluated 2026-05-16.

Conditions:
OTOGL-related disorder. Also called: OTOGL-related condition.

Allele frequency attached by ClinVar (database versions not stated): TOPMed 0.00001; gnomAD 0.00007; ExAC 0.00024; 1000 Genomes Project 30x 0.00047; 1000 Genomes Project 0.00060.
gnomAD v4.1: 111 of 1,608,882 alleles (0.0069%); highest among the groups gnomAD compares: South Asian, 0.12%; 1 homozygote.

Submissions (2):

PreventionGenetics, part of Exact Sciences
Classification: Likely benign for OTOGL-related condition. Last evaluated: 2026-05-16. Review status: criteria provided, single submitter. Criteria: ACMG Guidelines, 2015. Collection method: clinical testing. Allele origin: germline.
Comment: This variant is classified as likely benign based on ACMG/AMP sequence variant interpretation guidelines (Richards et al. 2015 PMID: 25741868, with internal and published modifications).

Labcorp Genetics (formerly Invitae), Labcorp
Classification: Likely benign. Last evaluated: 2025-02-26. Review status: criteria provided, single submitter. Criteria: Invitae Variant Classification Sherloc (09022015). Collection method: clinical testing. Allele origin: germline.